The following is an entry in ClinVar:

ClinVar aggregate classification (germline): Uncertain significance (1 of 4 stars; one submission).

Submission:

GeneDx
Classification: Uncertain significance. Last evaluated: 2024-04-29. Review status: criteria provided, single submitter. Criteria: GeneDx Variant Classification Process June 2021. Collection method: clinical testing. Allele origin: germline. Affected: yes.
Comment: Not observed at significant frequency in large population cohorts (gnomAD); In silico analysis supports that this missense variant has a deleterious effect on protein structure/function; Has not been previously published as pathogenic or benign to our knowledge

NM_000193.4(SHH):c.755T>C (p.Phe252Ser)

Gene: SHH (sonic hedgehog signaling molecule; minus strand). Cytogenetic location: 7q36.3.
Variant type: single nucleotide variant.
Coding change: c.755T>C on transcript NM_000193.4 (MANE Select); coding-DNA position 755, T replaced by C.
Protein change: p.Phe252Ser; replaces phenylalanine 252 with serine.
Molecular consequence: missense variant. On other transcripts: intron variant (1).
Genome position (GRCh38, 1-based): chr7:155,803,534, A>G on the plus strand (T>C on the coding strand, the complement: SHH is on the minus strand). VCF-style: chr7-155803534-A-G. GRCh37 (hg19) VCF-style: chr7-155596228-A-G.
Other names: c.301+2762T>C (NM_001310462.2); short protein forms F252S.
Identifiers: ClinVar variation 1700271 (VCV001700271.3), dbSNP rs2117128237, ClinGen allele CA370146154.